The following is an entry in ClinVar:

NM_001372044.2(SHANK3):c.4194C>T (p.Leu1398=)

Gene: SHANK3 (SH3 and multiple ankyrin repeat domains 3; plus strand). Cytogenetic location: 22q13.33.
Variant type: single nucleotide variant.
Coding change: c.4194C>T on transcript NM_001372044.2 (MANE Select); coding-DNA position 4194, C replaced by T.
Protein change: p.Leu1398=; no amino-acid change (leucine 1398 retained).
Molecular consequence: synonymous variant.
Genome position (GRCh38, 1-based): chr22:50,721,802, C>T. VCF-style: chr22-50721802-C-T. GRCh37 (hg19) VCF-style: chr22-51160230-C-T.
Identifiers: ClinVar variation 4681350 (VCV004681350.5).
Genomic context (GRCh38, chr22:50,721,802, plus strand): 5'-AATTGGGTTGGTGCCACCCCCTGAAGAGTTTGCCAACGGGGTCCTGCTGGCCACCCCACT[C>T]GCTGGCCCGGGCCCCTCGCCCACCACGGTGCCCAGCCCGGCCTCAGGGAAGCCCAGCAGT-3'
Protein context (NP_001358973.1, residues 1388-1408): FANGVLLATP[Leu1398=]AGPGPSPTTV

ClinVar aggregate classification (germline): Likely benign (1 of 4 stars; one submission).

Submission:

CeGaT Center for Human Genetics Tuebingen
Classification: Likely benign. Last evaluated: 2025-12-01. Review status: criteria provided, single submitter. Criteria: CeGaT Center For Human Genetics Tuebingen Variant Classification Criteria Version 2. Collection method: clinical testing. Allele origin: germline. Affected: yes. Observed: 1 variant allele.
Comment: SHANK3: BP4, BP7